The following is an entry in ClinVar:

NM_006015.6(ARID1A):c.4241G>A (p.Ser1414Asn)

Gene: ARID1A (AT-rich interaction domain 1A; plus strand). Cytogenetic location: 1p36.11.
Variant type: single nucleotide variant.
Coding change: c.4241G>A on transcript NM_006015.6 (MANE Select); coding-DNA position 4241, G replaced by A.
Protein change: p.Ser1414Asn; replaces serine 1414 with asparagine.
Molecular consequence: missense variant. On other transcripts: intron variant (1).
Genome position (GRCh38, 1-based): chr1:26,774,468, G>A. VCF-style: chr1-26774468-G-A. GRCh37 (hg19) VCF-style: chr1-27100959-G-A.
Other names: c.4102-512G>A (NM_139135.4); short protein forms S1414N.
Identifiers: ClinVar variation 2985978 (VCV002985978.3), dbSNP rs2124117977, ClinGen allele CA339173787.
Genomic context (GRCh38, chr1:26,774,468, plus strand): 5'-GCACTGGGCAGGGGCAGCCTCAGCAGCAGCAGTTGCCCCCAGCCCAGCCCCAGCCTGCCA[G>A]CCAGCAACAAGCTGCCCAGCCTTCCCCTCAGCAAGATGTATACAACCAGTATGGCAATGC-3'
Protein context (NP_006006.3, residues 1404-1424): QLPPAQPQPA[Ser1414Asn]QQQAAQPSPQ

ClinVar aggregate classification (germline): Uncertain significance (1 of 4 stars; one submission).

Allele frequency attached by ClinVar (database versions not stated): gnomAD exomes below 0.00001.
gnomAD v4.1: 1 of 1,613,768 alleles (0.000062%); highest among the groups gnomAD compares: Admixed American, 0.0017%; no homozygotes.

Submission:

Labcorp Genetics (formerly Invitae), Labcorp
Classification: Uncertain significance. Last evaluated: 2023-01-19. Review status: criteria provided, single submitter. Criteria: Invitae Variant Classification Sherloc (09022015). Collection method: clinical testing. Allele origin: germline.
Comment: This sequence change replaces serine, which is neutral and polar, with asparagine, which is neutral and polar, at codon 1414 of the ARID1A protein (p.Ser1414Asn). This variant is not present in population databases (gnomAD no frequency). This variant has not been reported in the literature in individuals affected with ARID1A-related conditions. Advanced modeling of protein sequence and biophysical properties (such as structural, functional, and spatial information, amino acid conservation, physicochemical variation, residue mobility, and thermodynamic stability) performed at Invitae indicates that this missense variant is not expected to disrupt ARID1A protein function. In summary, the available evidence is currently insufficient to determine the role of this variant in disease. Therefore, it has been classified as a Variant of Uncertain Significance.